The following is an entry in ClinVar:

ClinVar aggregate classification (germline): Uncertain significance (1 of 4 stars; one submission).

gnomAD v4.1: 2 of 1,614,042 alleles (0.00012%); highest among the groups gnomAD compares: Admixed American, 0.0017%; no homozygotes.

Submission:

Labcorp Genetics (formerly Invitae), Labcorp
Classification: Uncertain significance. Last evaluated: 2025-02-03. Review status: criteria provided, single submitter. Criteria: Invitae Variant Classification Sherloc (09022015). Collection method: clinical testing. Allele origin: germline.
Comment: This sequence change replaces glutamic acid, which is acidic and polar, with lysine, which is basic and polar, at codon 389 of the TUBG1 protein (p.Glu389Lys). This variant is not present in population databases (gnomAD no frequency). This variant has not been reported in the literature in individuals affected with TUBG1-related conditions. Invitae Evidence Modeling of protein sequence and biophysical properties (such as structural, functional, and spatial information, amino acid conservation, physicochemical variation, residue mobility, and thermodynamic stability) indicates that this missense variant is not expected to disrupt TUBG1 protein function with a negative predictive value of 80%. In summary, the available evidence is currently insufficient to determine the role of this variant in disease. Therefore, it has been classified as a Variant of Uncertain Significance.

NM_001070.5(TUBG1):c.1165G>A (p.Glu389Lys)

Gene: TUBG1 (tubulin gamma 1; plus strand). Cytogenetic location: 17q21.2.
Variant type: single nucleotide variant.
Coding change: c.1165G>A on transcript NM_001070.5 (MANE Select); coding-DNA position 1165, G replaced by A.
Protein change: p.Glu389Lys; replaces glutamic acid 389 with lysine.
Molecular consequence: missense variant.
Genome position (GRCh38, 1-based): chr17:42,614,850, G>A. VCF-style: chr17-42614850-G-A. GRCh37 (hg19) VCF-style: chr17-40766868-G-A.
Other names: short protein forms E389K.
Identifiers: ClinVar variation 3642825 (VCV003642825.2).